The following is an entry in ClinVar:

ClinVar aggregate classification (germline): Uncertain significance (1 of 4 stars; one submission).

Conditions:
Hereditary cancer-predisposing syndrome. Also called: Neoplastic Syndromes, Hereditary; Tumor predisposition; Hereditary Cancer Syndrome; Hereditary neoplastic syndrome. Identifiers: Orphanet 140162, MedGen C0027672, MeSH D009386, MONDO:0015356.

Submission:

Ambry Genetics
Classification: Uncertain significance for Hereditary cancer-predisposing syndrome. Last evaluated: 2025-12-24. Review status: criteria provided, single submitter. Criteria: Ambry Variant Classification Scheme 2023. Collection method: clinical testing. Allele origin: germline.
Comment: The p.A156P variant (also known as c.466G>C), located in coding exon 3 of the NTHL1 gene, results from a G to C substitution at nucleotide position 466. The alanine at codon 156 is replaced by proline, an amino acid with highly similar properties. This amino acid position is conserved. In addition, the in silico prediction for this alteration is inconclusive. Based on the available evidence, the clinical significance of this variant remains unclear.

NM_002528.7(NTHL1):c.442G>C (p.Ala148Pro)

Gene: NTHL1 (nth like DNA glycosylase 1; minus strand). Cytogenetic location: 16p13.3.
Variant type: single nucleotide variant.
Coding change: c.442G>C on transcript NM_002528.7 (MANE Select); coding-DNA position 442, G replaced by C.
Protein change: p.Ala148Pro; replaces alanine 148 with proline.
Molecular consequence: missense variant. On other transcripts: intron variant (1).
Genome position (GRCh38, 1-based): chr16:2,044,713, C>G on the plus strand (G>C on the coding strand, the complement: NTHL1 is on the minus strand). VCF-style: chr16-2044713-C-G. GRCh37 (hg19) VCF-style: chr16-2094714-C-G.
Other names: c.112G>C, p.Ala38Pro (NM_001318194.2); c.355-987G>C (NM_001318193.2); short protein forms A38P, A148P.
Identifiers: ClinVar variation 4842850 (VCV004842850.1).